The following is an entry in ClinVar:

ClinVar aggregate classification (germline): Uncertain significance. Review status: criteria provided, multiple submitters, no conflicts (2 of 4 stars). 2 submissions from 2 submitters: Uncertain significance (2). Last evaluated 2026-01-14.

Conditions:
Hereditary pancreatitis (PCTT). Also called: Hereditary chronic pancreatitis; PRSS1-Related Hereditary Pancreatitis. Identifiers: Orphanet 676, MedGen C0238339, MONDO:0008185, OMIM 167800.

Allele frequency attached by ClinVar (database versions not stated): gnomAD 0.00001; TOPMed 0.00001.

Submissions (2):

Ambry Genetics
Classification: Uncertain significance for Hereditary pancreatitis. Last evaluated: 2026-01-14. Review status: criteria provided, single submitter. Criteria: Ambry Variant Classification Scheme 2023. Collection method: clinical testing. Allele origin: germline.

Labcorp Genetics (formerly Invitae), Labcorp
Classification: Uncertain significance for Hereditary pancreatitis. Last evaluated: 2019-06-05. Review status: criteria provided, single submitter. Criteria: Invitae Variant Classification Sherloc (09022015). Collection method: clinical testing. Allele origin: germline.
Comment: In summary, the available evidence is currently insufficient to determine the role of this variant in disease. Therefore, it has been classified as a Variant of Uncertain Significance. Algorithms developed to predict the effect of missense changes on protein structure and function (SIFT, PolyPhen-2, Align-GVGD) all suggest that this variant is likely to be tolerated, but these predictions have not been confirmed by published functional studies and their clinical significance is uncertain. This sequence change replaces glutamic acid with aspartic acid at codon 32 of the PRSS1 protein (p.Glu32Asp). The glutamic acid residue is moderately conserved and there is a small physicochemical difference between glutamic acid and aspartic acid. This variant is not present in population databases (ExAC no frequency). This variant has not been reported in the literature in individuals with PRSS1-related disease.

NM_002769.5(PRSS1):c.96G>C (p.Glu32Asp)

Genes: TRB (T cell receptor beta locus; plus strand), PRSS1 (serine protease 1; plus strand). Cytogenetic location: 7q34.
Variant type: single nucleotide variant.
Coding change: c.96G>C on transcript NM_002769.5 (MANE Select); coding-DNA position 96, G replaced by C.
Protein change: p.Glu32Asp; replaces glutamic acid 32 with aspartic acid.
Molecular consequence: missense variant.
Genome position (GRCh38, 1-based): chr7:142,750,610, G>C. VCF-style: chr7-142750610-G-C. GRCh37 (hg19) VCF-style: chr7-142458461-G-C.
Other names: short protein forms E32D.
Identifiers: ClinVar variation 651018 (VCV000651018.11), dbSNP rs1253944625, ClinGen allele CA369607202.